The following is an entry in ClinVar:

ClinVar aggregate classification (germline): Pathogenic (1 of 4 stars; one submission).

Conditions:
Fetal anomalies with a likely genetic cause.

gnomAD v4.1: 70 of 1,613,712 alleles (0.0043%); highest among the groups gnomAD compares: Non-Finnish European, 0.0056%; no homozygotes.

Submission:

Genetics Laboratory, Great Ormond Street Hospital NHS Foundation Trust, North Thames Genomic Laboratory Hub
Classification: Pathogenic for Fetal anomalies with a likely genetic cause. Last evaluated: 2026-09-14. Review status: criteria provided, single submitter. Criteria: ACGS Best Practice Guidelines for Variant Classification in Rare Disease 2024 v1.2. Collection method: clinical testing. Allele origin: germline. Affected: yes.
Comment: PM2_moderate, PVS1_very-strong

NM_017736.5(THUMPD1):c.497C>G (p.Ser166Ter)

Genes: ACSM3 (acyl-CoA synthetase medium chain family member 3; plus strand), THUMPD1 (THUMP domain 1 NAT10 acetyltransferase adaptor; minus strand). Cytogenetic location: 16p12.3.
Variant type: single nucleotide variant.
Coding change: c.497C>G on transcript NM_017736.5 (MANE Select); coding-DNA position 497, C replaced by G.
Protein change: p.Ser166Ter; replaces serine 166 with a stop codon.
Molecular consequence: nonsense.
Genome position (GRCh38, 1-based): chr16:20,737,866, G>C on the plus strand (C>G on the coding strand, the complement: THUMPD1 is on the minus strand). VCF-style: chr16-20737866-G-C. GRCh37 (hg19) VCF-style: chr16-20749188-G-C.
Other names: c.497C>G, p.Ser166Ter (NM_001304550.2); short protein forms S166*.
Identifiers: ClinVar variation 5042753 (VCV005042753.1).